The following is an entry in ClinVar:

NM_006509.4(RELB):c.314C>T (p.Pro105Leu)

Gene: RELB (RELB proto-oncogene, NF-kB subunit; plus strand). Cytogenetic location: 19q13.32.
Variant type: single nucleotide variant.
Coding change: c.314C>T on transcript NM_006509.4 (MANE Select); coding-DNA position 314, C replaced by T.
Protein change: p.Pro105Leu; replaces proline 105 with leucine.
Molecular consequence: missense variant.
Genome position (GRCh38, 1-based): chr19:45,012,086, C>T. VCF-style: chr19-45012086-C-T. GRCh37 (hg19) VCF-style: chr19-45515344-C-T.
Other names: short protein forms P105L.
Identifiers: ClinVar variation 1390083 (VCV001390083.6), dbSNP rs775738995, ClinGen allele CA9507530.

ClinVar aggregate classification (germline): Uncertain significance (1 of 4 stars; one submission).

Allele frequency attached by ClinVar (database versions not stated): gnomAD exomes 0.00001 and 0.00003; TOPMed 0.00001; gnomAD 0.00002; ExAC 0.00007.
gnomAD v4.1: 18 of 1,549,300 alleles (0.0012%); highest among the groups gnomAD compares: Non-Finnish European, 0.0016%; no homozygotes.

Submission:

Labcorp Genetics (formerly Invitae), Labcorp
Classification: Uncertain significance. Last evaluated: 2024-09-22. Review status: criteria provided, single submitter. Criteria: Invitae Variant Classification Sherloc (09022015). Collection method: clinical testing. Allele origin: germline.
Comment: This sequence change replaces proline, which is neutral and non-polar, with leucine, which is neutral and non-polar, at codon 105 of the RELB protein (p.Pro105Leu). The frequency data for this variant in the population databases is considered unreliable, as metrics indicate poor data quality at this position in the gnomAD database. This variant has not been reported in the literature in individuals affected with RELB-related conditions. ClinVar contains an entry for this variant (Variation ID: 1390083). An algorithm developed to predict the effect of missense changes on protein structure and function (PolyPhen-2) suggests that this variant is likely to be tolerated. In summary, the available evidence is currently insufficient to determine the role of this variant in disease. Therefore, it has been classified as a Variant of Uncertain Significance.